The following is an entry in ClinVar:

ClinVar aggregate classification (germline): Uncertain significance (1 of 4 stars; one submission).

Submission:

Labcorp Genetics (formerly Invitae), Labcorp
Classification: Uncertain significance. Last evaluated: 2022-08-17. Review status: criteria provided, single submitter. Criteria: Invitae Variant Classification Sherloc (09022015). Collection method: clinical testing. Allele origin: germline.
Comment: In summary, the available evidence is currently insufficient to determine the role of this variant in disease. Therefore, it has been classified as a Variant of Uncertain Significance. Algorithms developed to predict the effect of missense changes on protein structure and function (SIFT, PolyPhen-2, Align-GVGD) all suggest that this variant is likely to be disruptive. This variant has not been reported in the literature in individuals affected with PLAA-related conditions. This variant is not present in population databases (gnomAD no frequency). This sequence change replaces lysine, which is basic and polar, with threonine, which is neutral and polar, at codon 774 of the PLAA protein (p.Lys774Thr).

NM_001031689.3(PLAA):c.2321A>C (p.Lys774Thr)

Gene: PLAA (phospholipase A2 activating protein; minus strand). Cytogenetic location: 9p21.2.
Variant type: single nucleotide variant.
Coding change: c.2321A>C on transcript NM_001031689.3 (MANE Select); coding-DNA position 2321, A replaced by C.
Protein change: p.Lys774Thr; replaces lysine 774 with threonine.
Molecular consequence: missense variant.
Genome position (GRCh38, 1-based): chr9:26,905,578, T>G on the plus strand (A>C on the coding strand, the complement: PLAA is on the minus strand). VCF-style: chr9-26905578-T-G. GRCh37 (hg19) VCF-style: chr9-26905576-T-G.
Other names: c.2252A>C, p.Lys751Thr (NM_001321546.2); short protein forms K751T, K774T.
Identifiers: ClinVar variation 2014332 (VCV002014332.4), dbSNP rs757782703, ClinGen allele CA373124768.